The following is an entry in ClinVar:

NM_001384140.1(PCDH15):c.3373+1G>A

Gene: PCDH15 (protocadherin related 15; minus strand). Cytogenetic location: 10q21.1.
Variant type: single nucleotide variant.
Coding change: c.3373+1G>A on transcript NM_001384140.1 (MANE Select); the canonical splice donor site of the intron after coding-DNA position 3373, G replaced by A.
Molecular consequence: splice donor variant.
Genome position (GRCh38, 1-based): chr10:53,938,814, C>T on the plus strand (G>A on the coding strand, the complement: PCDH15 is on the minus strand). VCF-style: chr10-53938814-C-T. GRCh37 (hg19) VCF-style: chr10-55698574-C-T.
Other names: c.3373+1G>A (NM_001354420.2, NM_001354429.2, NM_001142772.2 and 4 more transcripts); c.3388+1G>A (NM_001142771.2, NM_001142763.2); c.3394+1G>A (NM_001354411.2); c.3409+1G>A (NM_001142769.3); c.3307+1G>A (NM_001354404.2, NM_001142773.2, NM_001142768.2); c.3262+1G>A (NM_001142767.2); c.3160+1G>A (NM_001142765.2).
Identifiers: ClinVar variation 934800 (VCV000934800.11), dbSNP rs2085799827, ClinGen allele CA376515847.
Genomic context (GRCh38, chr10:53,938,814, plus strand): 5'-TTTAAAAAATTAGCAGAGACACCATACAATTCTGGTAAAAGCTTTAAGTAGTATAACTTA[C>T]TTTTTGAAGGAACTCGGAGATTGGCAAGGACCACTTCCAGGGAATCAGCTTGGACTCGAA-3'

ClinVar aggregate classification (germline): Pathogenic/Likely pathogenic. Review status: criteria provided, multiple submitters, no conflicts (2 of 4 stars). 2 submissions from 2 submitters: Pathogenic (1); Likely pathogenic (1). Last evaluated 2023-02-02.

Conditions:
Autosomal recessive nonsyndromic hearing loss 23. Identifiers: Orphanet 90636, MedGen C1836027, MONDO:0012293, OMIM 609533.

Allele frequency attached by ClinVar (database versions not stated): gnomAD 0.00001; TOPMed below 0.00001.
gnomAD v4.1: 1 of 1,612,598 alleles (0.000062%); highest among the groups gnomAD compares: Non-Finnish European, 0.000085%; no homozygotes.

Submissions (2):

Labcorp Genetics (formerly Invitae), Labcorp
Classification: Likely pathogenic. Last evaluated: 2023-02-02. Review status: criteria provided, single submitter. Criteria: Invitae Variant Classification Sherloc (09022015). Collection method: clinical testing. Allele origin: germline.
Comment: This sequence change affects a donor splice site in intron 25 of the PCDH15 gene. It is expected to disrupt RNA splicing. Variants that disrupt the donor or acceptor splice site typically lead to a loss of protein function (PMID: 16199547), and loss-of-function variants in PCDH15 are known to be pathogenic (PMID: 11398101, 11487575, 14570705). This variant is not present in population databases (gnomAD no frequency). In summary, the currently available evidence indicates that the variant is pathogenic, but additional data are needed to prove that conclusively. Therefore, this variant has been classified as Likely Pathogenic. Algorithms developed to predict the effect of sequence changes on RNA splicing suggest that this variant may disrupt the consensus splice site. ClinVar contains an entry for this variant (Variation ID: 934800). Disruption of this splice site has been observed in individual(s) with Usher syndrome (PMID: 21436283).

Baylor Genetics
Classification: Pathogenic for Autosomal recessive nonsyndromic hearing loss 23. Last evaluated: 2021-12-02. Review status: criteria provided, single submitter. Criteria: ACMG Guidelines, 2015. Collection method: clinical testing. Allele origin: unknown.

Literature cited by the submitters: PubMed 16199547 (cited by Labcorp Genetics (formerly Invitae), Labcorp); PubMed 11398101 (cited by Labcorp Genetics (formerly Invitae), Labcorp); PubMed 11487575 (cited by Labcorp Genetics (formerly Invitae), Labcorp); PubMed 14570705 (cited by Labcorp Genetics (formerly Invitae), Labcorp); PubMed 21436283 (cited by Labcorp Genetics (formerly Invitae), Labcorp).